The following is an entry in ClinVar:

NM_017807.4(OSGEP):c.245T>C (p.Met82Thr)

Genes: OSGEP (O-sialoglycoprotein endopeptidase; minus strand), LOC107372315 (OSGEP/APEX1 bi-directional promoter region; plus strand). Cytogenetic location: 14q11.2.
Variant type: single nucleotide variant.
Coding change: c.245T>C on transcript NM_017807.4 (MANE Select); coding-DNA position 245, T replaced by C.
Protein change: p.Met82Thr; replaces methionine 82 with threonine.
Molecular consequence: missense variant.
Genome position (GRCh38, 1-based): chr14:20,452,140, A>G on the plus strand (T>C on the coding strand, the complement: OSGEP is on the minus strand). VCF-style: chr14-20452140-A-G. GRCh37 (hg19) VCF-style: chr14-20920299-A-G.
Other names: short protein forms M82T.
Identifiers: ClinVar variation 2227963 (VCV002227963.2), dbSNP rs2501755869, ClinGen allele CA389124925.

ClinVar aggregate classification (germline): Uncertain significance (1 of 4 stars; one submission).

Conditions:
Inborn genetic diseases. Identifiers: MedGen C0950123, MeSH D030342.

Submission:

Ambry Genetics
Classification: Uncertain significance for Inborn genetic diseases. Last evaluated: 2020-11-10. Review status: criteria provided, single submitter. Criteria: Ambry Variant Classification Scheme 2023. Collection method: clinical testing. Allele origin: germline.
Comment: The c.245T>C (p.M82T) alteration is located in exon 3 (coding exon 3) of the OSGEP gene. This alteration results from a T to C substitution at nucleotide position 245, causing the methionine (M) at amino acid position 82 to be replaced by a threonine (T). Based on data from the Genome Aggregation Database (gnomAD), the OSGEP c.245T>C alteration was not observed, with coverage at this position. This amino acid position is highly conserved in available vertebrate species. The in silico prediction for the p.M82T alteration is inconclusive. Based on insufficient or conflicting evidence, the clinical significance of this alteration remains unclear.